The following is an entry in ClinVar:

ClinVar aggregate classification (germline): Likely pathogenic (1 of 4 stars; one submission).

Conditions:
Epidermolysis bullosa simplex 3, localized or generalized intermediate, with BP230 deficiency (EBS3). Also called: Epidermolysis bullosa simplex due to BP230 deficiency; Epidermolysis bullosa simplex, autosomal recessive 2. Identifiers: Orphanet 412181, MedGen C3809470, MONDO:0014180, OMIM 615425.
Hereditary sensory and autonomic neuropathy type 6. Also called: HSAN VI; Neuropathy, hereditary sensory and autonomic, type VI. Identifiers: Orphanet 314381, MedGen C3539003, MONDO:0013839, OMIM 614653.

Allele frequency attached by ClinVar (database versions not stated): gnomAD exomes below 0.00001; ExAC 0.00001.
gnomAD v4.1: 1 of 1,600,728 alleles (0.000062%); highest among the groups gnomAD compares: Non-Finnish European, 0.000085%; no homozygotes.

Submission:

Labcorp Genetics (formerly Invitae), Labcorp
Classification: Likely pathogenic for Epidermolysis bullosa simplex 3, localized or generalized intermediate, with BP230 deficiency; Hereditary sensory and autonomic neuropathy type 6. Last evaluated: 2022-08-15. Review status: criteria provided, single submitter. Criteria: Invitae Variant Classification Sherloc (09022015). Collection method: clinical testing. Allele origin: germline.
Comment: In summary, the currently available evidence indicates that the variant is pathogenic, but additional data are needed to prove that conclusively. Therefore, this variant has been classified as Likely Pathogenic. This variant has not been reported in the literature in individuals affected with DST-related conditions. This variant is present in population databases (rs748746313, gnomAD 0.0009%). This sequence change affects a donor splice site in intron 42 of the DST gene. It is expected to disrupt RNA splicing. Variants that disrupt the donor or acceptor splice site typically lead to a loss of protein function (PMID: 16199547), and loss-of-function variants in DST are known to be pathogenic (PMID: 22522446, 25059916, 30371979). The DST gene has multiple clinically relevant transcripts. This variant occurs in alternate transcript NM_015548.4, and corresponds to NM_001723.5:c.*63334G>A in the primary transcript.

Literature cited by the submitters: PubMed 16199547; PubMed 22522446; PubMed 25059916; PubMed 30371979.

NM_001374736.1(DST):c.16608+1G>A

Gene: DST (dystonin; minus strand). Cytogenetic location: 6p12.1.
Variant type: single nucleotide variant.
Coding change: c.16608+1G>A on transcript NM_001374736.1 (MANE Select); the canonical splice donor site of the intron after coding-DNA position 16608, G replaced by A.
Molecular consequence: splice donor variant.
Genome position (GRCh38, 1-based): chr6:56,552,183, C>T on the plus strand (G>A on the coding strand, the complement: DST is on the minus strand). VCF-style: chr6-56552183-C-T. GRCh37 (hg19) VCF-style: chr6-56416981-C-T.
Other names: c.10251+1G>A (NM_001144769.5); c.16608+1G>A (NM_001374722.1); c.16635+1G>A (NM_001374734.1); c.9837+1G>A (NM_001144770.2); c.9717+1G>A (NM_001374730.1, NM_001386100.1, NM_183380.4); c.15975+1G>A (NM_001374729.1); c.8739+1G>A (NM_015548.5).
Identifiers: ClinVar variation 1513621 (VCV001513621.8), dbSNP rs748746313, ClinGen allele CA3867651.